The following is an entry in ClinVar:

NM_000391.4(TPP1):c.812T>C (p.Ile271Thr)

Gene: TPP1 (tripeptidyl peptidase 1; minus strand). Cytogenetic location: 11p15.4.
Variant type: single nucleotide variant.
Coding change: c.812T>C on transcript NM_000391.4 (MANE Select); coding-DNA position 812, T replaced by C.
Protein change: p.Ile271Thr; replaces isoleucine 271 with threonine.
Molecular consequence: missense variant.
Genome position (GRCh38, 1-based): chr11:6,616,735, A>G on the plus strand (T>C on the coding strand, the complement: TPP1 is on the minus strand). VCF-style: chr11-6616735-A-G. GRCh37 (hg19) VCF-style: chr11-6637966-A-G.
Other names: short protein forms I271T.
Identifiers: ClinVar variation 570396 (VCV000570396.7), dbSNP rs766541487, ClinGen allele CA5858829.

ClinVar aggregate classification (germline): Uncertain significance. Review status: criteria provided, single submitter (1 of 4 stars). 2 submissions from 2 submitters: Uncertain significance (1). 1 of the submissions does not count toward it. Last evaluated 2022-05-16.

Conditions:
Neuronal ceroid lipofuscinosis 2. Also called: JANSKY-BIELSCHOWSKY DISEASE NEURONAL CEROID LIPOFUSCINOSIS, LATE INFANTILE; TPP1-Related Neuronal Ceroid-Lipofuscinosis. Identifiers: Orphanet 168491, Orphanet 228349, Orphanet 79264, MedGen C1876161, MONDO:0008769, OMIM 204500.

Allele frequency attached by ClinVar (database versions not stated): ExAC 0.00001; gnomAD 0.00001; gnomAD exomes 0.00002 and 0.00003; TOPMed 0.00002.
gnomAD v4.1: 39 of 1,613,858 alleles (0.0024%); highest among the groups gnomAD compares: Non-Finnish European, 0.0032%; no homozygotes.

Submissions (2):

Labcorp Genetics (formerly Invitae), Labcorp
Classification: Uncertain significance. Last evaluated: 2022-05-16. Review status: criteria provided, single submitter. Criteria: Invitae Variant Classification Sherloc (09022015). Collection method: clinical testing. Allele origin: germline.
Comment: This sequence change replaces isoleucine, which is neutral and non-polar, with threonine, which is neutral and polar, at codon 271 of the TPP1 protein (p.Ile271Thr). This variant is present in population databases (rs766541487, gnomAD 0.004%). This variant has not been reported in the literature in individuals affected with TPP1-related conditions. ClinVar contains an entry for this variant (Variation ID: 570396). Advanced modeling of protein sequence and biophysical properties (such as structural, functional, and spatial information, amino acid conservation, physicochemical variation, residue mobility, and thermodynamic stability) performed at Invitae indicates that this missense variant is expected to disrupt TPP1 protein function. In summary, the available evidence is currently insufficient to determine the role of this variant in disease. Therefore, it has been classified as a Variant of Uncertain Significance.

Natera, Inc.
Classification: Uncertain significance for Neuronal ceroid lipofuscinosis 2. Last evaluated: 2019-11-11. Review status: no assertion criteria provided. Collection method: clinical testing. Allele origin: germline. Not counted in ClinVar's aggregate classification.